The following is an entry in ClinVar:

ClinVar aggregate classification (germline): Benign/Likely benign. Review status: criteria provided, multiple submitters, no conflicts (2 of 4 stars). 7 submissions from 7 submitters: Benign (4); Likely benign (2). 1 of the submissions does not count toward it. Last evaluated 2026-02-03.

Conditions:
Peroxisome biogenesis disorder. Identifiers: Orphanet 79189, MedGen C1832200, MONDO:0019234. Disease mechanism: loss of function.
Peroxisome biogenesis disorder 4A (Zellweger) (PBD4A). Also called: Zellweger syndrome spectrum (PEX6-related). Identifiers: Orphanet 912, MedGen C3553936, MONDO:0013930, OMIM 614862. Disease mechanism: loss of function.
Zellweger spectrum disorders (ZS). Also called: Zellweger Spectrum Disorder; Zellweger Spectrum; Zellweger syndrome; Zellweger Spectrum Disorder (ZSD). Identifiers: Orphanet 912, MedGen C0043459, MONDO:0019609.

Allele frequency attached by ClinVar (database versions not stated): 1000 Genomes Project 30x 0.00984; 1000 Genomes Project 0.01018; gnomAD 0.01159 and 0.01262; ESP Exome Variant Server 0.01199; TOPMed 0.01345.
gnomAD v4.1: 3,309 of 1,613,850 alleles (0.21%); highest among the groups gnomAD compares: African/African-American, 3.8%; 65 homozygotes.

Submissions (12):

Labcorp Genetics (formerly Invitae), Labcorp
Classification: Benign for Peroxisome biogenesis disorder. Last evaluated: 2026-02-03. Review status: criteria provided, single submitter. Criteria: Invitae Variant Classification Sherloc (09022015). Collection method: clinical testing. Allele origin: germline.

ARUP Laboratories, Molecular Genetics and Genomics, ARUP Laboratories
Classification: Benign. Last evaluated: 2025-04-30. Review status: criteria provided, single submitter. Criteria: ARUP Molecular Germline Variant Investigation Process 2024. Collection method: clinical testing. Allele origin: germline.

Mayo Clinic Laboratories, Mayo Clinic
Classification: Benign. Last evaluated: 2023-08-07. Review status: criteria provided, single submitter. Criteria: ACMG Guidelines, 2015. Collection method: clinical testing. Allele origin: germline. Observed: 8 variant alleles.
Comment: BA1, BP4

GeneDx
Classification: Likely benign. Last evaluated: 2020-11-18. Review status: criteria provided, single submitter. Criteria: GeneDx Variant Classification Process June 2021. Collection method: clinical testing. Allele origin: germline. Affected: yes.

Illumina Laboratory Services, Illumina
Classification: Benign for Peroxisome biogenesis disorder 4A (Zellweger). Last evaluated: 2018-01-12. Review status: criteria provided, single submitter. Criteria: ICSL Variant Classification Criteria 13 December 2019. Collection method: clinical testing. Allele origin: germline.
Comment: This variant was observed in the ICSL laboratory as part of a predisposition screen in an ostensibly healthy population. It had not been previously curated by ICSL or reported in the Human Gene Mutation Database (HGMD: prior to June 1st, 2018), and was therefore a candidate for classification through an automated scoring system. Utilizing variant allele frequency, disease prevalence and penetrance estimates, and inheritance mode, an automated score was calculated to assess if this variant is too frequent to cause the disease. Based on the score and internal cut-off values, a variant classified as benign is not then subjected to further curation. The score for this variant resulted in a classification of benign for this disease.

Breakthrough Genomics
Classification: Likely benign. Review status: criteria provided, single submitter. Criteria: ACMG Guidelines, 2015. Collection method: not provided. Allele origin: germline. Inheritance: Autosomal recessive inheritance. Affected: yes.

Natera, Inc.
Classification: Benign for Zellweger syndrome. Last evaluated: 2019-10-28. Review status: no assertion criteria provided. Collection method: clinical testing. Allele origin: germline. Not counted in ClinVar's aggregate classification.

Dr. Peter K. Rogan Lab, Western University
No classification provided (evidence only). Condition: Lung cancer. Review status: no classification provided. Collection method: in vitro. Allele origin: not applicable. Functional consequence: retained intron. Not counted in ClinVar's aggregate classification.

Dr. Peter K. Rogan Lab, Western University
No classification provided (evidence only). Condition: Uterine corpus endometrial carcinoma. Review status: no classification provided. Collection method: in vitro. Allele origin: not applicable. Functional consequence: retained intron. Not counted in ClinVar's aggregate classification.

Dr. Peter K. Rogan Lab, Western University
No classification provided (evidence only). Condition: Sarcoma. Review status: no classification provided. Collection method: in vitro. Allele origin: not applicable. Functional consequence: skipped exon. Not counted in ClinVar's aggregate classification.

Dr. Peter K. Rogan Lab, Western University
No classification provided (evidence only). Condition: Gastric cancer. Review status: no classification provided. Collection method: in vitro. Allele origin: not applicable. Functional consequence: retained intron. Not counted in ClinVar's aggregate classification.

Dr. Peter K. Rogan Lab, Western University
No classification provided (evidence only). Condition: Gastric cancer. Review status: no classification provided. Collection method: in vitro. Allele origin: not applicable. Functional consequence: retained intron. Not counted in ClinVar's aggregate classification.

NM_000287.4(PEX6):c.1028G>A (p.Arg343Gln)

Gene: PEX6 (peroxisomal biogenesis factor 6; minus strand). Cytogenetic location: 6p21.1.
Variant type: single nucleotide variant.
Coding change: c.1028G>A on transcript NM_000287.4 (MANE Select); coding-DNA position 1028, G replaced by A.
Protein change: p.Arg343Gln; replaces arginine 343 with glutamine.
Molecular consequence: missense variant. On other transcripts: non-coding transcript variant (1).
Genome position (GRCh38, 1-based): chr6:42,974,893, C>T on the plus strand (G>A on the coding strand, the complement: PEX6 is on the minus strand). VCF-style: chr6-42974893-C-T. GRCh37 (hg19) VCF-style: chr6-42942631-C-T.
Other names: p.Arg343Gln; c.764G>A, p.Arg255Gln (NM_001316313.2); short protein forms R343Q, R255Q.
Identifiers: ClinVar variation 356801 (VCV000356801.23), dbSNP rs111282915, ClinGen allele CA3811486.